The following is an entry in ClinVar:

ClinVar aggregate classification (germline): Pathogenic (1 of 4 stars; one submission).

Submission:

Labcorp Genetics (formerly Invitae), Labcorp
Classification: Pathogenic. Last evaluated: 2023-07-29. Review status: criteria provided, single submitter. Criteria: Invitae Variant Classification Sherloc (09022015). Collection method: clinical testing. Allele origin: germline.
Comment: Algorithms developed to predict the effect of sequence changes on RNA splicing suggest that this variant may disrupt the consensus splice site. For these reasons, this variant has been classified as Pathogenic. Disruption of this splice site has been observed in individual(s) with clinical features of Pendred syndrome and/or deafness (PMID: 23918157, 27214836). This sequence change affects a donor splice site in intron 7 of the SLC26A4 gene. It is expected to disrupt RNA splicing. Variants that disrupt the donor or acceptor splice site typically lead to a loss of protein function (PMID: 16199547), and loss-of-function variants in SLC26A4 are known to be pathogenic (PMID: 16283880, 25394566, 26252218, 26445815). This variant is not present in population databases (gnomAD no frequency).

Literature cited by the submitters: PubMed 23918157; PubMed 27214836; PubMed 16199547; PubMed 16283880; PubMed 25394566; PubMed 26252218; PubMed 26445815.

NM_000441.2(SLC26A4):c.918+2T>A

Gene: SLC26A4 (solute carrier family 26 member 4; plus strand). Cytogenetic location: 7q22.3.
Variant type: single nucleotide variant.
Coding change: c.918+2T>A on transcript NM_000441.2 (MANE Select); the canonical splice donor site of the intron after coding-DNA position 918, T replaced by A.
Molecular consequence: splice donor variant.
Genome position (GRCh38, 1-based): chr7:107,683,356, T>A. VCF-style: chr7-107683356-T-A. GRCh37 (hg19) VCF-style: chr7-107323801-T-A.
Identifiers: ClinVar variation 2748291 (VCV002748291.3), dbSNP rs912147281, ClinGen allele CA368835554.